The following is an entry in ClinVar:

ClinVar aggregate classification (germline): Uncertain significance (1 of 4 stars; one submission).

Submission:

Labcorp Genetics (formerly Invitae), Labcorp
Classification: Uncertain significance. Last evaluated: 2022-09-27. Review status: criteria provided, single submitter. Criteria: Invitae Variant Classification Sherloc (09022015). Collection method: clinical testing. Allele origin: germline.
Comment: In summary, the available evidence is currently insufficient to determine the role of this variant in disease. Therefore, it has been classified as a Variant of Uncertain Significance. Algorithms developed to predict the effect of missense changes on protein structure and function are either unavailable or do not agree on the potential impact of this missense change (SIFT: "Tolerated"; PolyPhen-2: "Possibly Damaging"; Align-GVGD: "Class C0"). ClinVar contains an entry for this variant (Variation ID: 1491538). This variant has not been reported in the literature in individuals affected with IFNAR1-related conditions. This variant is not present in population databases (gnomAD no frequency). This sequence change replaces glutamic acid, which is acidic and polar, with lysine, which is basic and polar, at codon 543 of the IFNAR1 protein (p.Glu543Lys).

NM_000629.3(IFNAR1):c.1627G>A (p.Glu543Lys)

Gene: IFNAR1 (interferon alpha and beta receptor subunit 1; plus strand). Cytogenetic location: 21q22.11.
Variant type: single nucleotide variant.
Coding change: c.1627G>A on transcript NM_000629.3 (MANE Select); coding-DNA position 1627, G replaced by A.
Protein change: p.Glu543Lys; replaces glutamic acid 543 with lysine.
Molecular consequence: missense variant. On other transcripts: 3 prime UTR variant (1).
Genome position (GRCh38, 1-based): chr21:33,355,502, G>A. VCF-style: chr21-33355502-G-A. GRCh37 (hg19) VCF-style: chr21-34727808-G-A.
Other names: c.1627G>A, p.Glu543Lys (NM_001384498.1); c.*176G>A (NM_001384499.1); c.865G>A, p.Glu289Lys (NM_001384500.1); c.1597G>A, p.Glu533Lys (NM_001384501.1); c.1165G>A, p.Glu389Lys (NM_001384502.1); c.1612G>A, p.Glu538Lys (NM_001384503.1); c.1420G>A, p.Glu474Lys (NM_001384504.1); short protein forms E289K, E474K, E538K, E389K, E533K, E543K.
Identifiers: ClinVar variation 1491538 (VCV001491538.6), dbSNP rs780885615, ClinGen allele CA410111223.
Genomic context (GRCh38, chr21:33,355,502, plus strand): 5'-GATCATAAAAAATACAGTTCCCAAACTAGCCAAGATTCAGGAAATTATTCTAATGAAGAT[G>A]AAAGCGAAAGTAAAACAAGTGAAGAACTACAGCAGGACTTTGTATGACCAGAAATGAACT-3'
Protein context (NP_000620.2, residues 533-553): QDSGNYSNED[Glu543Lys]SESKTSEELQ